The following is an entry in ClinVar:

ClinVar aggregate classification (germline): Benign. Review status: criteria provided, multiple submitters, no conflicts (2 of 4 stars). 7 submissions from 6 submitters: Benign (7). Last evaluated 2026-03-01.

Conditions:
Baraitser-Winter syndrome 1 (BRWS1). Also called: PACHYGYRIA, MENTAL RETARDATION, EPILEPSY, AND CHARACTERISTIC FACIES; MENTAL RETARDATION WITH EPILEPSY AND CHARACTERISTIC FACIES; Cerebrofrontofacial syndrome; BARAITSER-WINTER SYNDROME 1, ATYPICAL. Identifiers: Orphanet 2649, Orphanet 2995, MedGen C1855722, MONDO:0009470, OMIM 243310.
Developmental malformations-deafness-dystonia syndrome (DDS1). Identifiers: Orphanet 79107, MedGen C5848323, MONDO:0011823, OMIM 607371.

Allele frequency attached by ClinVar (database versions not stated): 1000 Genomes Project 30x 0.00078; 1000 Genomes Project 0.00080; gnomAD exomes 0.00303; gnomAD 0.00314 and 0.00334; ExAC 0.00317; TOPMed 0.00319; ESP Exome Variant Server 0.00351.
gnomAD v4.1: 7,469 of 1,610,772 alleles (0.46%); highest among the groups gnomAD compares: Non-Finnish European, 0.58%; 24 homozygotes.

Submissions (7):

CeGaT Center for Human Genetics Tuebingen
Classification: Benign. Last evaluated: 2026-03-01. Review status: criteria provided, single submitter. Criteria: CeGaT Center For Human Genetics Tuebingen Variant Classification Criteria Version 2. Collection method: clinical testing. Allele origin: germline. Affected: yes. Observed: 22 variant alleles.
Comment: ACTB: BS1, BS2

Mayo Clinic Laboratories, Mayo Clinic
Classification: Benign. Last evaluated: 2024-12-12. Review status: criteria provided, single submitter. Criteria: ACMG Guidelines, 2015. Collection method: clinical testing. Allele origin: germline. Observed: 4 variant alleles.
Comment: BS1, BS2, BP4, BP7

Genome-Nilou Lab
Classification: Benign for Baraitser-Winter syndrome 1. Last evaluated: 2021-12-05. Review status: criteria provided, single submitter. Criteria: ACMG Guidelines, 2015. Collection method: clinical testing. Allele origin: germline. Affected: no.

Genome-Nilou Lab
Classification: Benign for Developmental malformations-deafness-dystonia syndrome. Last evaluated: 2021-12-05. Review status: criteria provided, single submitter. Criteria: ACMG Guidelines, 2015. Collection method: clinical testing. Allele origin: germline. Affected: no.

Genetic Services Laboratory, University of Chicago
Classification: Benign. Last evaluated: 2018-03-17. Review status: criteria provided, single submitter. Criteria: ACMG Guidelines, 2015. Collection method: clinical testing. Allele origin: germline. Affected: no.

Eurofins Ntd Llc (ga)
Classification: Benign. Last evaluated: 2017-06-02. Review status: criteria provided, single submitter. Criteria: EGL Classification Definitions 2015. Collection method: clinical testing. Allele origin: germline. Observed: 1 variant allele, 1 heterozygote.

GeneDx
Classification: Benign. Last evaluated: 2016-08-22. Review status: criteria provided, single submitter. Criteria: GeneDx Variant Classification (06012015). Collection method: clinical testing. Allele origin: germline. Affected: yes.
Comment: This variant is considered likely benign or benign based on one or more of the following criteria: it is a conservative change, it occurs at a poorly conserved position in the protein, it is predicted to be benign by multiple in silico algorithms, and/or has population frequency not consistent with disease.

NM_001101.5(ACTB):c.-6-4G>T

Gene: ACTB (actin beta; minus strand). Cytogenetic location: 7p22.1.
Variant type: single nucleotide variant.
Coding change: c.-6-4G>T on transcript NM_001101.5 (MANE Select); 4 bases into the intron before 6 bases upstream of the start codon, G replaced by T.
Molecular consequence: intron variant.
Genome position (GRCh38, 1-based): chr7:5,529,667, C>A on the plus strand (G>T on the coding strand, the complement: ACTB is on the minus strand). VCF-style: chr7-5529667-C-A. GRCh37 (hg19) VCF-style: chr7-5569298-C-A.
Other names: c.-6-4G>T (LRG_132t1).
Identifiers: ClinVar variation 195111 (VCV000195111.40), dbSNP rs13447394, ClinGen allele CA201567.